The following is an entry in ClinVar:

NM_000548.5(TSC2):c.1474C>T (p.Gln492Ter)

Gene: TSC2 (TSC complex subunit 2; plus strand). Cytogenetic location: 16p13.3.
Variant type: single nucleotide variant.
Coding change: c.1474C>T on transcript NM_000548.5 (MANE Select); coding-DNA position 1474, C replaced by T.
Protein change: p.Gln492Ter; replaces glutamine 492 with a stop codon.
Molecular consequence: nonsense.
Genome position (GRCh38, 1-based): chr16:2,064,302, C>T. VCF-style: chr16-2064302-C-T. GRCh37 (hg19) VCF-style: chr16-2114303-C-T.
Other names: c.1474C>T, p.Gln492Ter (NM_001077183.3, NM_001114382.3, NM_001363528.2 and 3 more transcripts); c.1363C>T, p.Gln455Ter (NM_001318827.2); c.1327C>T, p.Gln443Ter (NM_001318829.2); c.874C>T, p.Gln292Ter (NM_001318831.2); c.1507C>T, p.Gln503Ter (NM_001318832.2); short protein forms Q492*, Q503*, Q455*, Q443*, Q292*.
Identifiers: ClinVar variation 405998 (VCV000405998.9), dbSNP rs1060500931, ClinGen allele CA16614712.

ClinVar aggregate classification (germline): Pathogenic. Review status: criteria provided, multiple submitters, no conflicts (2 of 4 stars). 2 submissions from 2 submitters: Pathogenic (2). Last evaluated 2023-12-21.

Conditions:
Tuberous sclerosis 2 (TSC2). Identifiers: Orphanet 805, MedGen C1860707, MONDO:0013199, OMIM 613254.

Submissions (2):

GeneDx
Classification: Pathogenic. Last evaluated: 2023-12-21. Review status: criteria provided, single submitter. Criteria: GeneDx Variant Classification Process June 2021. Collection method: clinical testing. Allele origin: germline. Affected: yes.
Comment: Nonsense variant predicted to result in protein truncation or nonsense mediated decay in a gene for which loss of function is a known mechanism of disease; Not observed at significant frequency in large population cohorts (gnomAD); This variant is associated with the following publications: (PMID: 29476190, 29101226)

Labcorp Genetics (formerly Invitae), Labcorp
Classification: Pathogenic for Tuberous sclerosis 2. Last evaluated: 2023-02-17. Review status: criteria provided, single submitter. Criteria: Invitae Variant Classification Sherloc (09022015). Collection method: clinical testing. Allele origin: germline.
Comment: This sequence change creates a premature translational stop signal (p.Gln492*) in the TSC2 gene. It is expected to result in an absent or disrupted protein product. Loss-of-function variants in TSC2 are known to be pathogenic (PMID: 10205261, 17304050). This variant is not present in population databases (gnomAD no frequency). This premature translational stop signal has been observed in individual(s) with tuberous sclerosis complex (PMID: 29476190). ClinVar contains an entry for this variant (Variation ID: 405998). For these reasons, this variant has been classified as Pathogenic.

Literature cited by the submitters: PubMed 10205261 (cited by Labcorp Genetics (formerly Invitae), Labcorp); PubMed 17304050 (cited by Labcorp Genetics (formerly Invitae), Labcorp); PubMed 29476190 (cited by Labcorp Genetics (formerly Invitae), Labcorp).